The following is an entry in ClinVar:

ClinVar aggregate classification (germline): Uncertain significance (1 of 4 stars; one submission).

Submission:

Labcorp Genetics (formerly Invitae), Labcorp
Classification: Uncertain significance. Last evaluated: 2022-10-18. Review status: criteria provided, single submitter. Criteria: Invitae Variant Classification Sherloc (09022015). Collection method: clinical testing. Allele origin: germline.
Comment: A gross deletion of the genomic region encompassing the full coding sequence of the FGFR3 gene has been identified. The current clinical and genetic evidence is not sufficient to establish whether loss-of-function variants in FGFR3 cause disease. The boundaries of this event are unknown as they extend beyond the assayed region for this gene and therefore may encompass additional genes. This variant has not been reported in the literature in individuals affected with FGFR3-related conditions. Experimental studies and prediction algorithms are not available or were not evaluated, and the functional significance of this variant is currently unknown. In summary, the available evidence is currently insufficient to determine the role of this variant in disease. Therefore, it has been classified as a Variant of Uncertain Significance.

NC_000004.11:g.(?_493125)_(1843544_?)del

Genes: ATP5ME (ATP synthase membrane subunit e; minus strand), CPLX1 (complexin 1; minus strand), CRIPAK (cysteine rich PAK1 inhibitor; plus strand), CTBP1 (C-terminal binding protein 1; minus strand), DGKQ (diacylglycerol kinase theta; minus strand) and 22 more. Cytogenetic location: 4p16.3.
Variant type: Deletion.
Identifiers: ClinVar variation 2422458 (VCV002422458.3).